The following is an entry in ClinVar:

ClinVar aggregate classification (germline): Uncertain significance (1 of 4 stars; one submission).

Allele frequency attached by ClinVar (database versions not stated): gnomAD exomes below 0.00001; TOPMed below 0.00001; gnomAD 0.00001.
gnomAD v4.1: 2 of 1,613,506 alleles (0.00012%); highest among the groups gnomAD compares: African/African-American, 0.0027%; no homozygotes.

Submission:

GeneDx
Classification: Uncertain significance. Last evaluated: 2025-09-23. Review status: criteria provided, single submitter. Criteria: GeneDx Variant Classification Process June 2021. Collection method: clinical testing. Allele origin: germline. Affected: yes.
Comment: Not observed at significant frequency in large population cohorts (gnomAD); In silico analysis suggests that this missense variant does not alter protein structure/function; Has not been previously published as pathogenic or benign to our knowledge

NM_001813.3(CENPE):c.184G>A (p.Val62Met)

Gene: CENPE (centromere protein E; minus strand). Cytogenetic location: 4q24.
Variant type: single nucleotide variant.
Coding change: c.184G>A on transcript NM_001813.3 (MANE Select); coding-DNA position 184, G replaced by A.
Protein change: p.Val62Met; replaces valine 62 with methionine.
Molecular consequence: missense variant.
Genome position (GRCh38, 1-based): chr4:103,196,217, C>T on the plus strand (G>A on the coding strand, the complement: CENPE is on the minus strand). VCF-style: chr4-103196217-C-T. GRCh37 (hg19) VCF-style: chr4-104117374-C-T.
Other names: c.184G>A, p.Val62Met (NM_001286734.2); short protein forms V62M.
Identifiers: ClinVar variation 432293 (VCV000432293.5), dbSNP rs1354503272, ClinGen allele CA357792063.